The following is an entry in ClinVar:

ClinVar aggregate classification (germline): Uncertain significance (1 of 4 stars; one submission).

Submission:

Women's Health and Genetics/Laboratory Corporation of America, LabCorp
Classification: Uncertain significance. Last evaluated: 2024-08-22. Review status: criteria provided, single submitter. Criteria: LabCorp Variant Classification Summary - May 2015. Collection method: clinical testing. Allele origin: germline.
Comment: Variant summary: NPHS1 c.767G>T (p.Arg256Leu) results in a non-conservative amino acid change located in the Immunoglobulin subtype 2 domain (IPR003598) of the encoded protein sequence. Four of five in-silico tools predict a benign effect of the variant on protein function. The variant was absent in 249456 control chromosomes. The available data on variant occurrences in the general population are insufficient to allow any conclusion about variant significance. To our knowledge, no occurrence of c.767G>T in individuals affected with Nephrotic Syndrome, Type 1 and no experimental evidence demonstrating its impact on protein function have been reported. No submitters have cited clinical-significance assessments for this variant to ClinVar. Based on the evidence outlined above, the variant was classified as uncertain significance.

NM_004646.4(NPHS1):c.767G>T (p.Arg256Leu)

Gene: NPHS1 (NPHS1 adhesion molecule, nephrin; minus strand). Cytogenetic location: 19q13.12.
Variant type: single nucleotide variant.
Coding change: c.767G>T on transcript NM_004646.4 (MANE Select); coding-DNA position 767, G replaced by T.
Protein change: p.Arg256Leu; replaces arginine 256 with leucine.
Molecular consequence: missense variant.
Genome position (GRCh38, 1-based): chr19:35,849,309, C>A on the plus strand (G>T on the coding strand, the complement: NPHS1 is on the minus strand). VCF-style: chr19-35849309-C-A. GRCh37 (hg19) VCF-style: chr19-36340211-C-A.
Other names: short protein forms R256L.
Identifiers: ClinVar variation 3366666 (VCV003366666.1).